The following is an entry in ClinVar:

ClinVar aggregate classification (germline): Conflicting classifications of pathogenicity. Review status: criteria provided, conflicting classifications (1 of 4 stars). 2 submissions from 2 submitters: Uncertain significance (1); Likely benign (1). Last evaluated 2024-03-18.

Conditions:
Inborn genetic diseases. Identifiers: MedGen C0950123, MeSH D030342.
Charcot-Marie-Tooth disease dominant intermediate B (CMTDIB). Also called: Charcot-Marie-Tooth disease dominant intermediate 1; CMT DI1; Charcot-Marie-Tooth disease dominant intermediate I; CHARCOT-MARIE-TOOTH NEUROPATHY, DOMINANT INTERMEDIATE B. Identifiers: Orphanet 100044, Orphanet 228179, MedGen C1847902, MONDO:0011674, OMIM 606482.

Allele frequency attached by ClinVar (database versions not stated): gnomAD 0.00001; gnomAD exomes 0.00001 and 0.00003; ExAC 0.00004; TOPMed 0.00006.
gnomAD v4.1: 9 of 1,613,704 alleles (0.00056%); highest among the groups gnomAD compares: East Asian, 0.02%; no homozygotes.

Submissions (2):

Ambry Genetics
Classification: Likely benign for Inborn genetic diseases. Last evaluated: 2024-03-18. Review status: criteria provided, single submitter. Criteria: Ambry Variant Classification Scheme 2023. Collection method: clinical testing. Allele origin: germline.

Labcorp Genetics (formerly Invitae), Labcorp
Classification: Uncertain significance for Charcot-Marie-Tooth disease dominant intermediate B. Last evaluated: 2024-02-26. Review status: criteria provided, single submitter. Criteria: Invitae Variant Classification Sherloc (09022015). Collection method: clinical testing. Allele origin: germline.
Comment: This sequence change replaces threonine, which is neutral and polar, with isoleucine, which is neutral and non-polar, at codon 755 of the DNM2 protein (p.Thr755Ile). This variant is present in population databases (rs754691182, gnomAD 0.05%). This variant has not been reported in the literature in individuals affected with DNM2-related conditions. ClinVar contains an entry for this variant (Variation ID: 1001108). Advanced modeling of protein sequence and biophysical properties (such as structural, functional, and spatial information, amino acid conservation, physicochemical variation, residue mobility, and thermodynamic stability) has been performed at Invitae for this missense variant, however the output from this modeling did not meet the statistical confidence thresholds required to predict the impact of this variant on DNM2 protein function. In summary, the available evidence is currently insufficient to determine the role of this variant in disease. Therefore, it has been classified as a Variant of Uncertain Significance.

NM_001005361.3(DNM2):c.2264C>T (p.Thr755Ile)

Gene: DNM2 (dynamin 2; plus strand). Cytogenetic location: 19p13.2.
Variant type: single nucleotide variant.
Coding change: c.2264C>T on transcript NM_001005361.3 (MANE Select); coding-DNA position 2264, C replaced by T.
Protein change: p.Thr755Ile; replaces threonine 755 with isoleucine.
Molecular consequence: missense variant.
Genome position (GRCh38, 1-based): chr19:10,829,241, C>T. VCF-style: chr19-10829241-C-T. GRCh37 (hg19) VCF-style: chr19-10939917-C-T.
Other names: c.2264C>T, p.Thr755Ile (NM_001005360.3, NM_001190716.2); c.2252C>T, p.Thr751Ile (NM_001005362.3, NM_004945.4); c.2264C>T (NM_001005360.2); short protein forms T751I, T755I.
Identifiers: ClinVar variation 1001108 (VCV001001108.9), dbSNP rs754691182, ClinGen allele CA9201560.